The following is an entry in ClinVar:

NM_016169.4(SUFU):c.849G>A (p.Glu283=)

Gene: SUFU (SUFU negative regulator of hedgehog signaling; plus strand). Cytogenetic location: 10q24.32.
Variant type: single nucleotide variant.
Coding change: c.849G>A on transcript NM_016169.4 (MANE Select); coding-DNA position 849, G replaced by A.
Protein change: p.Glu283=; no amino-acid change (glutamic acid 283 retained).
Molecular consequence: synonymous variant.
Genome position (GRCh38, 1-based): chr10:102,597,232, G>A. VCF-style: chr10-102597232-G-A. GRCh37 (hg19) VCF-style: chr10-104356989-G-A.
Other names: c.849G>A, p.Glu283= (NM_001178133.2).
Identifiers: ClinVar variation 524667 (VCV000524667.33), dbSNP rs751057597, ClinGen allele CA5667785.

ClinVar aggregate classification (germline): Likely benign. Review status: criteria provided, multiple submitters, no conflicts (2 of 4 stars). 3 submissions from 3 submitters: Likely benign (3). Last evaluated 2025-08-07.

Conditions:
Gorlin syndrome. Also called: Nevoid Basal Cell Carcinoma Syndrome; Basal cell nevus syndrome. Identifiers: Orphanet 377, MedGen C0004779, MONDO:0007187.
Medulloblastoma (MDB). Also called: Medulloblastoma, somatic; MEDULLOBLASTOMA PREDISPOSITION SYNDROME. Identifiers: Orphanet 616, MedGen C0025149, MeSH D008527, MONDO:0007959, OMIM 155255, HP:0002885.
Hereditary cancer-predisposing syndrome. Also called: Neoplastic Syndromes, Hereditary; Hereditary Cancer Syndrome; Tumor predisposition; Hereditary neoplastic syndrome. Identifiers: Orphanet 140162, MedGen C0027672, MeSH D009386, MONDO:0015356.

Allele frequency attached by ClinVar (database versions not stated): gnomAD 0.00001; gnomAD exomes 0.00001 and 0.00002; TOPMed 0.00001; ExAC 0.00002.
gnomAD v4.1: 14 of 1,613,906 alleles (0.00087%); highest among the groups gnomAD compares: South Asian, 0.0088%; no homozygotes.

Submissions (3):

Labcorp Genetics (formerly Invitae), Labcorp
Classification: Likely benign for Gorlin syndrome; Medulloblastoma. Last evaluated: 2025-08-07. Review status: criteria provided, single submitter. Criteria: Invitae Variant Classification Sherloc (09022015). Collection method: clinical testing. Allele origin: germline.

CeGaT Center for Human Genetics Tuebingen
Classification: Likely benign. Last evaluated: 2024-01-01. Review status: criteria provided, single submitter. Criteria: CeGaT Center For Human Genetics Tuebingen Variant Classification Criteria Version 2. Collection method: clinical testing. Allele origin: germline. Affected: yes. Observed: 2 variant alleles.
Comment: SUFU: BP4, BP7

Ambry Genetics
Classification: Likely benign for Hereditary cancer-predisposing syndrome. Last evaluated: 2022-09-23. Review status: criteria provided, single submitter. Criteria: Ambry Variant Classification Scheme 2023. Collection method: clinical testing. Allele origin: germline.